The following is an entry in ClinVar:

ClinVar aggregate classification (germline): Likely benign (0 of 4 stars; one submission).

Conditions:
AMN-related disorder. Also called: AMN-related condition.

Allele frequency attached by ClinVar (database versions not stated): gnomAD 0.00005.
gnomAD v4.1: 183 of 1,532,616 alleles (0.012%); highest among the groups gnomAD compares: Non-Finnish European, 0.015%; no homozygotes.

Submission:

PreventionGenetics, part of Exact Sciences
Classification: Likely benign for AMN-related condition. Last evaluated: 2019-04-07. Review status: no assertion criteria provided. Collection method: clinical testing. Allele origin: germline.
Comment: This variant is classified as likely benign based on ACMG/AMP sequence variant interpretation guidelines (Richards et al. 2015 PMID: 25741868, with internal and published modifications).

NM_030943.4(AMN):c.1239G>T (p.Val413=)

Gene: AMN (amnion associated transmembrane protein; plus strand). Cytogenetic location: 14q32.32.
Variant type: single nucleotide variant.
Coding change: c.1239G>T on transcript NM_030943.4 (MANE Select); coding-DNA position 1239, G replaced by T.
Protein change: p.Val413=; no amino-acid change (valine 413 retained).
Molecular consequence: synonymous variant.
Genome position (GRCh38, 1-based): chr14:102,930,475, G>T. VCF-style: chr14-102930475-G-T. GRCh37 (hg19) VCF-style: chr14-103396812-G-T.
Other names: c.1077G>T, p.Val359= (NM_001425246.1).
Identifiers: ClinVar variation 3057370 (VCV003057370.2), dbSNP rs374163665, ClinGen allele CA267175603.